The following is an entry in ClinVar:

NM_014874.4(MFN2):c.1024G>C (p.Glu342Gln)

Gene: MFN2 (mitofusin 2; plus strand). Cytogenetic location: 1p36.22.
Variant type: single nucleotide variant.
Coding change: c.1024G>C on transcript NM_014874.4 (MANE Select); coding-DNA position 1024, G replaced by C.
Protein change: p.Glu342Gln; replaces glutamic acid 342 with glutamine.
Molecular consequence: missense variant.
Genome position (GRCh38, 1-based): chr1:12,001,822, G>C. VCF-style: chr1-12001822-G-C. GRCh37 (hg19) VCF-style: chr1-12061879-G-C.
Other names: c.1024G>C, p.Glu342Gln (NM_001127660.2); short protein forms E342Q.
Identifiers: ClinVar variation 565497 (VCV000565497.11), dbSNP rs1557527906, ClinGen allele CA338442435.

ClinVar aggregate classification (germline): Uncertain significance (1 of 4 stars; one submission).

Conditions:
Charcot-Marie-Tooth disease type 2. Also called: Charcot-Marie-Tooth type 2. Identifiers: Orphanet 64746, MedGen C0270914, MONDO:0018993.

Submission:

Labcorp Genetics (formerly Invitae), Labcorp
Classification: Uncertain significance for Charcot-Marie-Tooth disease type 2. Last evaluated: 2019-10-16. Review status: criteria provided, single submitter. Criteria: Invitae Variant Classification Sherloc (09022015). Collection method: clinical testing. Allele origin: germline.
Comment: This sequence change replaces glutamic acid with glutamine at codon 342 of the MFN2 protein (p.Glu342Gln). The glutamic acid residue is highly conserved and there is a small physicochemical difference between glutamic acid and glutamine. This variant is not present in population databases (ExAC no frequency). This variant has not been reported in the literature in individuals with MFN2-related disease. Algorithms developed to predict the effect of missense changes on protein structure and function (SIFT, PolyPhen-2, Align-GVGD) all suggest that this variant is likely to be disruptive, but these predictions have not been confirmed by published functional studies and their clinical significance is uncertain. In summary, the available evidence is currently insufficient to determine the role of this variant in disease. Therefore, it has been classified as a Variant of Uncertain Significance.